The following is an entry in ClinVar:

NM_001987.5(ETV6):c.359T>C (p.Ile120Thr)

Gene: ETV6 (ETS variant transcription factor 6; plus strand). Cytogenetic location: 12p13.2.
Variant type: single nucleotide variant.
Coding change: c.359T>C on transcript NM_001987.5 (MANE Select); coding-DNA position 359, T replaced by C.
Protein change: p.Ile120Thr; replaces isoleucine 120 with threonine.
Molecular consequence: missense variant.
Genome position (GRCh38, 1-based): chr12:11,853,457, T>C. VCF-style: chr12-11853457-T-C. GRCh37 (hg19) VCF-style: chr12-12006391-T-C.
Other names: c.356T>C, p.Ile119Thr (NM_001413913.1); c.332T>C, p.Ile111Thr (NM_001413914.1); c.95T>C, p.Ile32Thr (NM_001413915.1); c.359T>C, p.Ile120Thr (NM_001413916.1, NM_001413917.1); short protein forms I111T, I119T, I120T, I32T.
Identifiers: ClinVar variation 4870679 (VCV004870679.1).

ClinVar aggregate classification (germline): Uncertain significance (1 of 4 stars; one submission).

Conditions:
Inborn genetic diseases. Identifiers: MedGen C0950123, MeSH D030342.

gnomAD v4.1: 2 of 1,614,236 alleles (0.00012%); highest among the groups gnomAD compares: Non-Finnish European, 0.00017%; no homozygotes.

Submission:

Ambry Genetics
Classification: Uncertain significance for Inborn genetic diseases. Last evaluated: 2026-05-26. Review status: criteria provided, single submitter. Criteria: Ambry Variant Classification Scheme 2023. Collection method: clinical testing. Allele origin: germline.
Comment: The p.I120T variant (also known as c.359T>C), located in coding exon 4 of the ETV6 gene, results from a T to C substitution at nucleotide position 359. The isoleucine at codon 120 is replaced by threonine, an amino acid with similar properties. This amino acid position is conserved. In addition, the in silico prediction for this alteration is inconclusive. Based on the available evidence, the clinical significance of this variant remains unclear.